The following is an entry in ClinVar:

NM_000548.5(TSC2):c.3529G>A (p.Val1177Met)

Gene: TSC2 (TSC complex subunit 2; plus strand). Cytogenetic location: 16p13.3.
Variant type: single nucleotide variant.
Coding change: c.3529G>A on transcript NM_000548.5 (MANE Select); coding-DNA position 3529, G replaced by A.
Protein change: p.Val1177Met; replaces valine 1177 with methionine.
Molecular consequence: missense variant.
Genome position (GRCh38, 1-based): chr16:2,080,296, G>A. VCF-style: chr16-2080296-G-A. GRCh37 (hg19) VCF-style: chr16-2130297-G-A.
Other names: c.3397G>A, p.Val1133Met (NM_001077183.3, NM_001370404.1); c.3529G>A, p.Val1177Met (NM_001114382.3); c.3289G>A, p.Val1097Met (NM_001318827.2); c.3253G>A, p.Val1085Met (NM_001318829.2); c.2797G>A, p.Val933Met (NM_001318831.2); c.3430G>A, p.Val1144Met (NM_001318832.2); c.3400G>A, p.Val1134Met (NM_001363528.2, NM_001370405.1, NM_021055.3); short protein forms V1085M, V1097M, V1133M, V1134M, V1144M, V1177M, V933M.
Identifiers: ClinVar variation 1059964 (VCV001059964.12), dbSNP rs1417220666, ClinGen allele CA394289381.

ClinVar aggregate classification (germline): Uncertain significance. Review status: criteria provided, multiple submitters, no conflicts (2 of 4 stars). 2 submissions from 2 submitters: Uncertain significance (2). Last evaluated 2025-07-04.

Conditions:
Hereditary cancer-predisposing syndrome. Also called: Tumor predisposition; Neoplastic Syndromes, Hereditary; Hereditary Cancer Syndrome; Hereditary neoplastic syndrome. Identifiers: Orphanet 140162, MedGen C0027672, MeSH D009386, MONDO:0015356.
Tuberous sclerosis 2 (TSC2). Identifiers: Orphanet 805, MedGen C1860707, MONDO:0013199, OMIM 613254.

Allele frequency attached by ClinVar (database versions not stated): gnomAD exomes below 0.00001; TOPMed below 0.00001.
gnomAD v4.1: 1 of 1,612,968 alleles (0.000062%); highest among the groups gnomAD compares: Non-Finnish European, 0.000085%; no homozygotes.

Submissions (2):

Ambry Genetics
Classification: Uncertain significance for Hereditary cancer-predisposing syndrome. Last evaluated: 2025-07-04. Review status: criteria provided, single submitter. Criteria: Ambry Variant Classification Scheme 2023. Collection method: clinical testing. Allele origin: germline.
Comment: The p.V1177M variant (also known as c.3529G>A), located in coding exon 29 of the TSC2 gene, results from a G to A substitution at nucleotide position 3529. The valine at codon 1177 is replaced by methionine, an amino acid with highly similar properties. This amino acid position is poorly conserved in available vertebrate species. In addition, this alteration is predicted to be tolerated by in silico analysis. Since supporting evidence is limited at this time, the clinical significance of this alteration remains unclear.

Labcorp Genetics (formerly Invitae), Labcorp
Classification: Uncertain significance for Tuberous sclerosis 2. Last evaluated: 2024-06-05. Review status: criteria provided, single submitter. Criteria: Invitae Variant Classification Sherloc (09022015). Collection method: clinical testing. Allele origin: germline.
Comment: This sequence change replaces valine, which is neutral and non-polar, with methionine, which is neutral and non-polar, at codon 1177 of the TSC2 protein (p.Val1177Met). This variant is not present in population databases (gnomAD no frequency). This variant has not been reported in the literature in individuals affected with TSC2-related conditions. ClinVar contains an entry for this variant (Variation ID: 1059964). Advanced modeling of protein sequence and biophysical properties (such as structural, functional, and spatial information, amino acid conservation, physicochemical variation, residue mobility, and thermodynamic stability) performed at Invitae indicates that this missense variant is not expected to disrupt TSC2 protein function with a negative predictive value of 95%. In summary, the available evidence is currently insufficient to determine the role of this variant in disease. Therefore, it has been classified as a Variant of Uncertain Significance.